The following is an entry in ClinVar:

NM_024675.4(PALB2):c.1042C>G (p.Gln348Glu)

Gene: PALB2 (partner and localizer of BRCA2; minus strand). Cytogenetic location: 16p12.2.
Variant type: single nucleotide variant.
Coding change: c.1042C>G on transcript NM_024675.4 (MANE Select); coding-DNA position 1042, C replaced by G.
Protein change: p.Gln348Glu; replaces glutamine 348 with glutamic acid.
Molecular consequence: missense variant. On other transcripts: intron variant (3).
Genome position (GRCh38, 1-based): chr16:23,635,504, G>C on the plus strand (C>G on the coding strand, the complement: PALB2 is on the minus strand). VCF-style: chr16-23635504-G-C. GRCh37 (hg19) VCF-style: chr16-23646825-G-C.
Other names: c.982C>G, p.Gln328Glu (NM_001407296.1); c.1042C>G, p.Gln348Glu (NM_001407297.1, NM_001407298.1, NM_001407299.1 and 3 more transcripts); c.157C>G, p.Gln53Glu (NM_001407304.1, NM_001407305.1, NM_001407306.1 and 5 more transcripts); c.48+5606C>G (NM_001407314.1); c.-104-5035C>G (NM_001407313.1, NM_001407312.1); short protein forms Q328E, Q348E, Q53E.
Identifiers: ClinVar variation 3894318 (VCV003894318.1).

ClinVar aggregate classification (germline): Uncertain significance (1 of 4 stars; one submission).

Conditions:
Hereditary cancer-predisposing syndrome. Also called: Neoplastic Syndromes, Hereditary; Tumor predisposition; Hereditary Cancer Syndrome; Hereditary neoplastic syndrome. Identifiers: Orphanet 140162, MedGen C0027672, MeSH D009386, MONDO:0015356.

Submission:

Color Diagnostics, LLC DBA Color Health
Classification: Uncertain significance for Hereditary cancer-predisposing syndrome. Last evaluated: 2024-06-20. Review status: criteria provided, single submitter. Criteria: ACMG Guidelines, 2015. Collection method: clinical testing. Allele origin: germline.
Comment: This missense variant replaces glutamine with glutamic acid at codon 348 of the PALB2 protein. Computational prediction suggests that this variant may not impact protein structure and function (internally defined REVEL score threshold <= 0.5, PMID: 27666373). To our knowledge, functional studies have not been reported for this variant. This variant has not been reported in individuals affected with PALB2-related disorders in the literature. This variant has not been identified in the general population by the Genome Aggregation Database (gnomAD). The available evidence is insufficient to determine the role of this variant in disease conclusively. Therefore, this variant is classified as a Variant of Uncertain Significance.